The following is an entry in ClinVar:

NM_032444.4(SLX4):c.4832A>G (p.Glu1611Gly)

Gene: SLX4 (SLX4 structure-specific endonuclease subunit; minus strand). Cytogenetic location: 16p13.3.
Variant type: single nucleotide variant.
Coding change: c.4832A>G on transcript NM_032444.4 (MANE Select); coding-DNA position 4832, A replaced by G.
Protein change: p.Glu1611Gly; replaces glutamic acid 1611 with glycine.
Molecular consequence: missense variant.
Genome position (GRCh38, 1-based): chr16:3,583,418, T>C on the plus strand (A>G on the coding strand, the complement: SLX4 is on the minus strand). VCF-style: chr16-3583418-T-C. GRCh37 (hg19) VCF-style: chr16-3633419-T-C.
Other names: short protein forms E1611G.
Identifiers: ClinVar variation 2153831 (VCV002153831.3), dbSNP rs762796945, ClinGen allele CA7865498.

ClinVar aggregate classification (germline): Uncertain significance (1 of 4 stars; one submission).

Conditions:
Fanconi anemia (FA). Also called: Fanconi's anemia. Identifiers: Orphanet 84, MedGen C0015625, MeSH D005199, MONDO:0019391.

Allele frequency attached by ClinVar (database versions not stated): gnomAD exomes below 0.00001; TOPMed below 0.00001; ExAC 0.00001; gnomAD 0.00001.
gnomAD v4.1: 3 of 1,613,840 alleles (0.00019%); highest among the groups gnomAD compares: East Asian, 0.0067%; no homozygotes.

Submission:

Labcorp Genetics (formerly Invitae), Labcorp
Classification: Uncertain significance for Fanconi anemia. Last evaluated: 2022-11-01. Review status: criteria provided, single submitter. Criteria: Invitae Variant Classification Sherloc (09022015). Collection method: clinical testing. Allele origin: germline.
Comment: This variant has not been reported in the literature in individuals affected with SLX4-related conditions. This sequence change replaces glutamic acid, which is acidic and polar, with glycine, which is neutral and non-polar, at codon 1611 of the SLX4 protein (p.Glu1611Gly). This variant is present in population databases (rs762796945, gnomAD 0.02%). Algorithms developed to predict the effect of missense changes on protein structure and function output the following: SIFT: "Deleterious"; PolyPhen-2: "Benign"; Align-GVGD: "Class C15". The glycine amino acid residue is found in multiple mammalian species, which suggests that this missense change does not adversely affect protein function. In summary, the available evidence is currently insufficient to determine the role of this variant in disease. Therefore, it has been classified as a Variant of Uncertain Significance.